The following is an entry in ClinVar:

ClinVar aggregate classification (germline): Likely benign. Review status: criteria provided, multiple submitters, no conflicts (2 of 4 stars). 3 submissions from 3 submitters: Likely benign (3). Last evaluated 2026-01-27.

Conditions:
RLBP1-related disorder. Also called: RLBP1-related disorders; RLBP1-related condition. Identifiers: MedGen CN239413.

Allele frequency attached by ClinVar (database versions not stated): gnomAD exomes 0.00004; TOPMed 0.00005; ExAC 0.00006; gnomAD 0.00007 and 0.00008; ESP Exome Variant Server 0.00008; 1000 Genomes Project 30x 0.00031; 1000 Genomes Project 0.00040.
gnomAD v4.1: 82 of 1,614,188 alleles (0.0051%); highest among the groups gnomAD compares: African/African-American, 0.0067%; no homozygotes.

Submissions (3):

PreventionGenetics, part of Exact Sciences
Classification: Likely benign for RLBP1-related condition. Last evaluated: 2026-01-27. Review status: criteria provided, single submitter. Criteria: ACMG Guidelines, 2015. Collection method: clinical testing. Allele origin: germline.
Comment: This variant is classified as likely benign based on ACMG/AMP sequence variant interpretation guidelines (Richards et al. 2015 PMID: 25741868, with internal and published modifications).

Labcorp Genetics (formerly Invitae), Labcorp
Classification: Likely benign. Last evaluated: 2026-01-16. Review status: criteria provided, single submitter. Criteria: Invitae Variant Classification Sherloc (09022015). Collection method: clinical testing. Allele origin: germline.

Blueprint Genetics
Classification: Likely benign. Last evaluated: 2022-07-27. Review status: criteria provided, single submitter. Criteria: ACMG Guidelines, 2015. Collection method: clinical testing. Allele origin: germline.

NM_000326.5(RLBP1):c.867C>T (p.Phe289=)

Gene: RLBP1 (retinaldehyde binding protein 1; minus strand). Cytogenetic location: 15q26.1.
Variant type: single nucleotide variant.
Coding change: c.867C>T on transcript NM_000326.5 (MANE Select); coding-DNA position 867, C replaced by T.
Protein change: p.Phe289=; no amino-acid change (phenylalanine 289 retained).
Molecular consequence: synonymous variant.
Genome position (GRCh38, 1-based): chr15:89,210,372, G>A on the plus strand (C>T on the coding strand, the complement: RLBP1 is on the minus strand). VCF-style: chr15-89210372-G-A. GRCh37 (hg19) VCF-style: chr15-89753603-G-A.
Other names: c.867C>T (NM_000326.4).
Identifiers: ClinVar variation 1090493 (VCV001090493.11), dbSNP rs201752164, ClinGen allele CA7722157.